The following is an entry in ClinVar:

NM_015909.4(NBAS):c.6356T>G (p.Leu2119Arg)

Gene: NBAS (NBAS subunit of NRZ tethering complex; minus strand). Cytogenetic location: 2p24.3.
Variant type: single nucleotide variant.
Coding change: c.6356T>G on transcript NM_015909.4 (MANE Select); coding-DNA position 6356, T replaced by G.
Protein change: p.Leu2119Arg; replaces leucine 2119 with arginine.
Molecular consequence: missense variant.
Genome position (GRCh38, 1-based): chr2:15,218,849, A>C on the plus strand (T>G on the coding strand, the complement: NBAS is on the minus strand). VCF-style: chr2-15218849-A-C. GRCh37 (hg19) VCF-style: chr2-15358973-A-C.
Other names: short protein forms L2119R.
Identifiers: ClinVar variation 2086381 (VCV002086381.2), dbSNP rs1394368814, ClinGen allele CA345884290.

ClinVar aggregate classification (germline): Uncertain significance (1 of 4 stars; one submission).

Allele frequency attached by ClinVar (database versions not stated): gnomAD exomes below 0.00001.
gnomAD v4.1: 4 of 1,614,274 alleles (0.00025%); highest among the groups gnomAD compares: Non-Finnish European, 0.00034%; no homozygotes.

Submission:

Labcorp Genetics (formerly Invitae), Labcorp
Classification: Uncertain significance. Last evaluated: 2022-04-19. Review status: criteria provided, single submitter. Criteria: Invitae Variant Classification Sherloc (09022015). Collection method: clinical testing. Allele origin: germline.
Comment: This sequence change replaces leucine, which is neutral and non-polar, with arginine, which is basic and polar, at codon 2119 of the NBAS protein (p.Leu2119Arg). This variant is not present in population databases (gnomAD no frequency). This variant has not been reported in the literature in individuals affected with NBAS-related conditions. Algorithms developed to predict the effect of missense changes on protein structure and function (SIFT, PolyPhen-2, Align-GVGD) all suggest that this variant is likely to be disruptive. In summary, the available evidence is currently insufficient to determine the role of this variant in disease. Therefore, it has been classified as a Variant of Uncertain Significance.